The following is an entry in ClinVar:

NM_019112.4(ABCA7):c.790+10T>G

Gene: ABCA7 (ATP binding cassette subfamily A member 7; plus strand). Cytogenetic location: 19p13.3.
Variant type: single nucleotide variant.
Coding change: c.790+10T>G on transcript NM_019112.4 (MANE Select); 10 bases into the intron after coding-DNA position 790, T replaced by G.
Molecular consequence: intron variant.
Genome position (GRCh38, 1-based): chr19:1,043,261, T>G. VCF-style: chr19-1043261-T-G. GRCh37 (hg19) VCF-style: chr19-1043260-T-G.
Identifiers: ClinVar variation 3056177 (VCV003056177.2), dbSNP rs58262414, ClinGen allele CA9032753.

ClinVar aggregate classification (germline): Benign (0 of 4 stars; one submission).

Conditions:
ABCA7-related disorder. Also called: ABCA7-related condition.

Allele frequency attached by ClinVar (database versions not stated): gnomAD exomes 0.00312; ExAC 0.01033; 1000 Genomes Project 0.03235; gnomAD 0.03264; 1000 Genomes Project 30x 0.03623; TOPMed 0.03639; ESP Exome Variant Server 0.03937.
gnomAD v4.1: 9,701 of 1,608,230 alleles (0.6%); highest among the groups gnomAD compares: African/African-American, 12%; 549 homozygotes.

Submission:

PreventionGenetics, part of Exact Sciences
Classification: Benign for ABCA7-related condition. Last evaluated: 2020-01-20. Review status: no assertion criteria provided. Collection method: clinical testing. Allele origin: germline.
Comment: This variant is classified as benign based on ACMG/AMP sequence variant interpretation guidelines (Richards et al. 2015 PMID: 25741868, with internal and published modifications).